The following is an entry in ClinVar:

NM_001145358.2(SIN3A):c.2093+3A>G

Gene: SIN3A (SIN3 transcription regulator family member A; minus strand). Cytogenetic location: 15q24.2.
Variant type: single nucleotide variant.
Coding change: c.2093+3A>G on transcript NM_001145358.2 (MANE Select); 3 bases into the intron after coding-DNA position 2093, A replaced by G.
Molecular consequence: intron variant.
Genome position (GRCh38, 1-based): chr15:75,396,255, T>C on the plus strand (A>G on the coding strand, the complement: SIN3A is on the minus strand). VCF-style: chr15-75396255-T-C. GRCh37 (hg19) VCF-style: chr15-75688596-T-C.
Other names: c.2093+3A>G (NM_001437463.1, NM_001145357.2, NM_001437462.1 and 1 more transcripts).
Identifiers: ClinVar variation 4076168 (VCV004076168.1).

ClinVar aggregate classification (germline): Uncertain significance (1 of 4 stars; one submission).

Conditions:
SIN3A-related intellectual disability syndrome due to a point mutation. Also called: WITTEVEEN-KOLK SYNDROME; 15q24 Microdeletion Syndrome. Identifiers: Orphanet 500166, Orphanet 94065, MedGen C4310804, MONDO:0044700, OMIM 613406.

Submission:

Laboratorio de Genetica e Diagnostico Molecular, Hospital Israelita Albert Einstein
Classification: Uncertain significance for SIN3A-related intellectual disability syndrome due to a point mutation. Last evaluated: 2024-07-30. Review status: criteria provided, single submitter. Criteria: ACMG Guidelines, 2015. Collection method: clinical testing. Allele origin: germline. Affected: yes.
Comment: ACMG classification criteria: PM2 supporting, PP3 supporting